The following is an entry in ClinVar:

ClinVar aggregate classification (germline): Likely pathogenic (1 of 4 stars; one submission).

Conditions:
Deficiency of butyryl-CoA dehydrogenase (ACADSD). Also called: ACADS DEFICIENCY; Short-Chain Acyl-CoA Dehydrogenase Deficiency; SCAD Deficiency; SCAD DEFICIENCY, MILD; ACYL-CoA DEHYDROGENASE, SHORT-CHAIN, DEFICIENCY OF; SCADH DEFICIENCY. Identifiers: Orphanet 26792, MedGen C0342783, MONDO:0008722, OMIM 201470. Disease mechanism: May be benign.

Submission:

Myriad Genetics, Inc.
Classification: Likely pathogenic for Deficiency of butyryl-CoA dehydrogenase. Last evaluated: 2022-03-10. Review status: criteria provided, single submitter. Criteria: Myriad Women's Health Autosomal Recessive and X-Linked Classification Criteria (2021). Collection method: clinical testing. Allele origin: unknown.
Comment: NM_000017.2(ACADS):c.54dupT(P19Sfs*2) is expected to be pathogenic in the context of short-chain acyl-CoA dehydrogenase deficiency. This variant is predicted to lead to an abnormal or absent protein product due to the creation of a premature termination codon in ACADS, a gene where loss-of-function variants are known to be pathogenic. Please note: this variant was assessed in the context of healthy population screening.

NM_000017.4(ACADS):c.54dup (p.Pro19fs)

Gene: ACADS (acyl-CoA dehydrogenase short chain; plus strand). Cytogenetic location: 12q24.31.
Variant type: Duplication.
Coding change: c.54dup on transcript NM_000017.4 (MANE Select); coding-DNA position 54, one base duplicated (T; older notation c.54dupT).
Protein change: p.Pro19fs; shifts the reading frame from proline 19.
Molecular consequence: frameshift variant.
Genome position (GRCh38, 1-based): chr12:120,727,033, T duplicated. VCF-style (leftmost placement, unchanged base first): chr12-120727032-G-GT. GRCh37 (hg19) VCF-style: chr12-121164835-G-GT.
Other names: c.54dup, p.Pro19fs (NM_001302554.2); short protein forms P19fs.
Identifiers: ClinVar variation 1725158 (VCV001725158.2), dbSNP rs2501155182, ClinGen allele CA2580085884.